The following is an entry in ClinVar:

ClinVar aggregate classification (germline): Likely benign. Review status: criteria provided, multiple submitters, no conflicts (2 of 4 stars). 2 submissions from 2 submitters: Likely benign (2). Last evaluated 2025-09-22.

Conditions:
Thrombomodulin-related bleeding disorder (THPH12). Also called: Thrombophilia due to thrombomodulin defect. Identifiers: Orphanet 436169, MedGen C3280976, MONDO:0013775, OMIM 614486.

Allele frequency attached by ClinVar (database versions not stated): gnomAD 0.00001; gnomAD exomes 0.00001; TOPMed 0.00001.
gnomAD v4.1: 9 of 1,526,134 alleles (0.00059%); highest among the groups gnomAD compares: South Asian, 0.0024%; no homozygotes.

Submissions (2):

Genomenon, Inc
Classification: Likely benign for Thrombomodulin-related bleeding disorder. Last evaluated: 2025-09-22. Review status: criteria provided, single submitter. Criteria: Genomenon Sequence Variant Interpretation Standards - Updated. Collection method: curation. Allele origin: germline. Affected: no.
Comment: THBD p.Phe197= (c.591C>T) is a synonymous variant that retains Phenylalanine at residue 197. This variant has been reported in the published literature (PMID:15842356). This synonymous variant is not predicted to impact splicing and does not affect a conserved nucleotide. It is absent or not present at a significant frequency in gnomAD. In conclusion, we classify THBD p.Phe197= (c.591C>T) as a likely benign variant.

Labcorp Genetics (formerly Invitae), Labcorp
Classification: Likely benign. Last evaluated: 2025-01-22. Review status: criteria provided, single submitter. Criteria: Invitae Variant Classification Sherloc (09022015). Collection method: clinical testing. Allele origin: germline.

Literature cited by the submitters: PubMed 15842356 (cited by Genomenon, Inc).

NM_000361.3(THBD):c.591C>T (p.Phe197=)

Gene: THBD (thrombomodulin; minus strand). Cytogenetic location: 20p11.21.
Variant type: single nucleotide variant.
Coding change: c.591C>T on transcript NM_000361.3 (MANE Select); coding-DNA position 591, C replaced by T.
Protein change: p.Phe197=; no amino-acid change (phenylalanine 197 retained).
Molecular consequence: synonymous variant.
Genome position (GRCh38, 1-based): chr20:23,048,914, G>A on the plus strand (C>T on the coding strand, the complement: THBD is on the minus strand). VCF-style: chr20-23048914-G-A. GRCh37 (hg19) VCF-style: chr20-23029551-G-A.
Identifiers: ClinVar variation 2170486 (VCV002170486.5), dbSNP rs1377394971, ClinGen allele CA510160823.